The following is an entry in ClinVar:

ClinVar aggregate classification (germline): Uncertain significance (1 of 4 stars; one submission).

Conditions:
Intellectual developmental disorder with hypertelorism and distinctive facies. Identifiers: MedGen C4748381, MONDO:0029143, OMIM 618147.

Submission:

Laboratorio de Genetica e Diagnostico Molecular, Hospital Israelita Albert Einstein
Classification: Uncertain significance for Intellectual developmental disorder with hypertelorism and distinctive facies. Last evaluated: 2026-01-29. Review status: criteria provided, single submitter. Criteria: ACMG Guidelines, 2015. Collection method: clinical testing. Allele origin: germline. Affected: yes.
Comment: ACMG classification criteria: PVS1 strong, PM2 supporting

NM_001099402.2(CCNK):c.136_143delinsAAGCCCC (p.Glu46fs)

Gene: CCNK (cyclin K; plus strand). Cytogenetic location: 14q32.2.
Variant type: Indel.
Coding change: c.136_143delinsAAGCCCC on transcript NM_001099402.2 (MANE Select); coding-DNA positions 136 to 143, GAGGCCCG replaced by AAGCCCC.
Protein change: p.Glu46fs; shifts the reading frame from glutamic acid 46.
Molecular consequence: frameshift variant.
Genome position (GRCh38, 1-based): chr14:99,492,813-99,492,820, GAGGCCCG replaced by AAGCCCC. VCF-style: chr14-99492813-GAGGCCCG-AAGCCCC. GRCh37 (hg19) VCF-style: chr14-99959150-GAGGCCCG-AAGCCCC.
Other names: short protein forms E46fs.
Identifiers: ClinVar variation 4846982 (VCV004846982.1).
Genomic context (GRCh38, chr14:99,492,813, plus strand): 5'-TGGGATAAGAAAGACTTGGCTCATACACCCTCACAACTTGAAGGACTTGATCCAGCCACC[GAGGCCCG>AAGCCCC]GTACCGCCGAGAGGGCGCTCGGTTCATCTTTGATGTGGGCACACGTTTGGGGCTGTATCC-3'